The following is an entry in ClinVar:

NM_000285.4(PEPD):c.393+5G>A

Gene: PEPD (peptidase D; minus strand). Cytogenetic location: 19q13.11.
Variant type: single nucleotide variant.
Coding change: c.393+5G>A on transcript NM_000285.4 (MANE Select); 5 bases into the intron after coding-DNA position 393, G replaced by A.
Molecular consequence: intron variant.
Genome position (GRCh38, 1-based): chr19:33,500,933, C>T on the plus strand (G>A on the coding strand, the complement: PEPD is on the minus strand). VCF-style: chr19-33500933-C-T. GRCh37 (hg19) VCF-style: chr19-33991839-C-T.
Other names: c.202-7596G>A (NM_001166057.2); c.393+5G>A (NM_001166056.2).
Identifiers: ClinVar variation 1960862 (VCV001960862.2), dbSNP rs756503700, ClinGen allele CA9364386.
Genomic context (GRCh38, chr19:33,500,933, plus strand): 5'-GAACTCCAGGAGTGGAAGGCATGCTGGAAGCCCTGGGCTGCTCAGAGGAGGAGCCGGCTA[C>T]CCACCTCATCTACGTACTGGACGTCGTCCACGGCATACTTCTCCTTGAAGTGCTCCTTGG-3'

ClinVar aggregate classification (germline): Uncertain significance (1 of 4 stars; one submission).

Allele frequency attached by ClinVar (database versions not stated): gnomAD exomes below 0.00001; ExAC 0.00001; gnomAD 0.00001; TOPMed 0.00001.
gnomAD v4.1: 6 of 1,566,372 alleles (0.00038%); highest among the groups gnomAD compares: South Asian, 0.0011%; no homozygotes.

Submission:

Labcorp Genetics (formerly Invitae), Labcorp
Classification: Uncertain significance. Last evaluated: 2022-07-13. Review status: criteria provided, single submitter. Criteria: Invitae Variant Classification Sherloc (09022015). Collection method: clinical testing. Allele origin: germline.
Comment: This sequence change falls in intron 4 of the PEPD gene. It does not directly change the encoded amino acid sequence of the PEPD protein. It affects a nucleotide within the consensus splice site. This variant is present in population databases (rs756503700, gnomAD 0.003%). This variant has not been reported in the literature in individuals affected with PEPD-related conditions. Variants that disrupt the consensus splice site are a relatively common cause of aberrant splicing (PMID: 17576681, 9536098). Algorithms developed to predict the effect of sequence changes on RNA splicing suggest that this variant may disrupt the consensus splice site. In summary, the available evidence is currently insufficient to determine the role of this variant in disease. Therefore, it has been classified as a Variant of Uncertain Significance.

Literature cited by the submitters: PubMed 17576681; PubMed 9536098.